The following is an entry in ClinVar:

ClinVar aggregate classification (oncogenicity): Uncertain significance (1 of 4 stars; one submission).

Conditions:
Meningioma. Also called: Meningioma, somatic. Identifiers: Orphanet 2495, MedGen C0025286, MONDO:0016642, HP:0002858.

Submission:

Dr. Guy Rouleau's laboratory, McGill University
Classification: Uncertain significance for Meningioma. Last evaluated: 2025-03-30. Review status: criteria provided, single submitter. Criteria: ClinGen/CGC/VICC Guidelines for Oncogenicity, 2022. Collection method: research. Allele origin: somatic. Affected: yes.
Comment: This intronic variant (c.115-3C>A) occurs at position -3, before coding exon 2 of the NF2 gene. This somatic variant was identified in a paired tumor-blood sequencing study of meningiomas. It has not been reported in population databases (gnomAD v2.1.1: no frequency). Due to insufficient evidence, the clinical significance of this variant remains unknown.

NM_000268.4(NF2):c.115-3C>A

Gene: NF2 (NF2, moesin-ezrin-radixin like (MERLIN) tumor suppressor; plus strand). Cytogenetic location: 22q12.2.
Variant type: single nucleotide variant.
Coding change: c.115-3C>A on transcript NM_000268.4 (MANE Select); 3 bases into the intron before coding-DNA position 115, C replaced by A.
Molecular consequence: intron variant.
Genome position (GRCh38, 1-based): chr22:29,636,748, C>A. VCF-style: chr22-29636748-C-A. GRCh37 (hg19) VCF-style: chr22-30032737-C-A.
Other names: c.115-3C>A (NM_016418.5, NM_181832.3, NM_001407060.1 and 9 more transcripts); c.1-3C>A (NM_001407056.1, NM_001407053.1); c.-142-3C>A (NM_001407067.1); c.-526-3C>A (NM_001407065.1); c.115-2342C>A (NM_181828.3, NM_001407055.1); c.115-5454C>A (NM_001407063.1, NM_181830.3, NM_001407064.1 and 1 more transcripts).
Identifiers: ClinVar variation 3897729 (VCV003897729.1).